The following is an entry in ClinVar:

NM_000404.4(GLB1):c.1286C>T (p.Pro429Leu)

Gene: GLB1 (galactosidase beta 1; minus strand). Cytogenetic location: 3p22.3.
Variant type: single nucleotide variant.
Coding change: c.1286C>T on transcript NM_000404.4 (MANE Select); coding-DNA position 1286, C replaced by T.
Protein change: p.Pro429Leu; replaces proline 429 with leucine.
Molecular consequence: missense variant.
Genome position (GRCh38, 1-based): chr3:33,018,509, G>A on the plus strand (C>T on the coding strand, the complement: GLB1 is on the minus strand). VCF-style: chr3-33018509-G-A. GRCh37 (hg19) VCF-style: chr3-33060001-G-A.
Other names: c.1196C>T, p.Pro399Leu (NM_001079811.3); c.893C>T, p.Pro298Leu (NM_001135602.3); c.1430C>T, p.Pro477Leu (NM_001317040.2); c.1286C>T, p.Pro429Leu (NM_001393580.1); short protein forms P298L, P477L, P399L, P429L.
Identifiers: ClinVar variation 839524 (VCV000839524.5), dbSNP rs201148460, ClinGen allele CA2299435.

ClinVar aggregate classification (germline): Conflicting classifications of pathogenicity. Review status: criteria provided, conflicting classifications (1 of 4 stars). 2 submissions from 2 submitters: Uncertain significance (1); Likely benign (1). Last evaluated 2026-01-26.

Conditions:
Inborn genetic diseases. Identifiers: MedGen C0950123, MeSH D030342.
Mucopolysaccharidosis, MPS-IV-B (MPS4B). Also called: Mucopolysaccharidosis type IV B; Mucopolysaccharidosis Type IVB; MORQUIO SYNDROME B; Mucopolysaccharidosis type IVB (Morquio); MPS IVB; Mucopolysaccharidosis Type IVB (Morquio B Disease). Identifiers: Orphanet 309310, Orphanet 582, MedGen C0086652, MONDO:0009660, OMIM 253010.
GM1 gangliosidosis. Identifiers: Orphanet 354, MedGen C0085131, MONDO:0018149.

Allele frequency attached by ClinVar (database versions not stated): gnomAD 0.00004; gnomAD exomes 0.00008 and 0.00019; TOPMed 0.00009; ExAC 0.00014; 1000 Genomes Project 30x 0.00016; 1000 Genomes Project 0.00020.
gnomAD v4.1: 53 of 1,613,978 alleles (0.0033%); highest among the groups gnomAD compares: Admixed American, 0.088%; no homozygotes.

Submissions (2):

Labcorp Genetics (formerly Invitae), Labcorp
Classification: Uncertain significance for Mucopolysaccharidosis, MPS-IV-B; GM1 gangliosidosis. Last evaluated: 2026-01-26. Review status: criteria provided, single submitter. Criteria: Invitae Variant Classification Sherloc (09022015). Collection method: clinical testing. Allele origin: germline.
Comment: This sequence change replaces proline, which is neutral and non-polar, with leucine, which is neutral and non-polar, at codon 429 of the GLB1 protein (p.Pro429Leu). This variant is present in population databases (rs201148460, gnomAD 0.1%). This variant has not been reported in the literature in individuals affected with GLB1-related conditions. ClinVar contains an entry for this variant (Variation ID: 839524). Invitae Evidence Modeling of protein sequence and biophysical properties (such as structural, functional, and spatial information, amino acid conservation, physicochemical variation, residue mobility, and thermodynamic stability) indicates that this missense variant is expected to disrupt GLB1 protein function with a positive predictive value of 80%. In summary, the available evidence is currently insufficient to determine the role of this variant in disease. Therefore, it has been classified as a Variant of Uncertain Significance.

Ambry Genetics
Classification: Likely benign for Inborn genetic diseases. Last evaluated: 2024-01-24. Review status: criteria provided, single submitter. Criteria: Ambry Variant Classification Scheme 2023. Collection method: clinical testing. Allele origin: germline.

Literature cited by the submitters: PubMed 28518168 (cited by Ambry Genetics); PubMed 32461654 (cited by Ambry Genetics).